The following is an entry in ClinVar:

NM_000256.3(MYBPC3):c.2774_2775del (p.Glu925fs)

Gene: MYBPC3 (myosin binding protein C3; minus strand). Cytogenetic location: 11p11.2.
Variant type: Microsatellite.
Coding change: c.2774_2775del on transcript NM_000256.3 (MANE Select); coding-DNA positions 2774 to 2775, 2 bases deleted (AG; older notation c.2774_2775delAG).
Protein change: p.Glu925fs; shifts the reading frame from glutamic acid 925.
Molecular consequence: frameshift variant.
Genome position (GRCh38, 1-based): chr11:47,335,172-47,335,173, CT deleted on the plus strand (AG on the coding strand, the reverse complement: MYBPC3 is on the minus strand); deleting any 2 consecutive bases within chr11:47,335,172-47,335,175 gives the same sequence; the c. name uses the placement nearest the transcript's 3' end. VCF-style (leftmost placement, unchanged base first): chr11-47335171-GCT-G. GRCh37 (hg19) VCF-style: chr11-47356722-GCT-G.
Other names: short protein forms E925fs.
Identifiers: ClinVar variation 2026549 (VCV002026549.4), dbSNP rs2495744610, ClinGen allele CA2580615693.

ClinVar aggregate classification (germline): Pathogenic (1 of 4 stars; one submission).

Conditions:
Hypertrophic cardiomyopathy. Also called: HYPERTROPHIC MYOCARDIOPATHY. Identifiers: Orphanet 217569, MedGen C0007194, MeSH D002312, MONDO:0005045, HP:0001639.

Submission:

Labcorp Genetics (formerly Invitae), Labcorp
Classification: Pathogenic for Hypertrophic cardiomyopathy. Last evaluated: 2022-08-23. Review status: criteria provided, single submitter. Criteria: Invitae Variant Classification Sherloc (09022015). Collection method: clinical testing. Allele origin: germline.
Comment: For these reasons, this variant has been classified as Pathogenic. This variant has not been reported in the literature in individuals affected with MYBPC3-related conditions. This variant is not present in population databases (gnomAD no frequency). This sequence change creates a premature translational stop signal (p.Glu925Alafs*125) in the MYBPC3 gene. It is expected to result in an absent or disrupted protein product. Loss-of-function variants in MYBPC3 are known to be pathogenic (PMID: 19574547).

Literature cited by the submitters: PubMed 19574547.